The following is an entry in ClinVar:

ClinVar aggregate classification (germline): Pathogenic/Likely pathogenic. Review status: criteria provided, multiple submitters, no conflicts (2 of 4 stars). 2 submissions from 2 submitters: Pathogenic (1); Likely pathogenic (1). Last evaluated 2026-03-11.

Submissions (2):

GeneDx
Classification: Pathogenic. Last evaluated: 2026-03-11. Review status: criteria provided, single submitter. Criteria: GeneDx Variant Classification Process June 2021. Collection method: clinical testing. Allele origin: germline.
Comment: Reported as de novo in an individual from a cohort of patients with developmental delays (PMID: 33057194); Alters the last nucleotide of the exon and is predicted to destroy the splice donor site and result in aberrant splicing, although in the absence of functional evidence the actual effect of this sequence change is unknown; Not observed at significant frequency in large population cohorts (gnomAD); This variant is associated with the following publications: (PMID: 35982159, 33057194)

Center for Pediatric Genomic Medicine, Children's Mercy Hospital and Clinics
Classification: Likely pathogenic. Last evaluated: 2016-10-03. Review status: criteria provided, single submitter. Criteria: ACMG Guidelines, 2015. Collection method: clinical testing. Allele origin: de novo.

NM_015443.4(KANSL1):c.1848G>T (p.Lys616Asn)

Gene: KANSL1 (KAT8 regulatory NSL complex subunit 1). Cytogenetic location: 17q21.31.
Variant type: single nucleotide variant.
Coding change: c.1848G>T on transcript NM_015443.4 (MANE Select); coding-DNA position 1848, G replaced by T.
Protein change: p.Lys616Asn; replaces lysine 616 with asparagine.
Molecular consequence: missense variant.
Genome position (GRCh38, 1-based): chr17:46,066,537, C>A on the plus strand (G>T on the coding strand, the complement: KANSL1 is on the minus strand). VCF-style: chr17-46066537-C-A. GRCh37 (hg19) VCF-style: chr17-44143903-C-A.
Other names: c.1848G>T, p.Lys616Asn (NM_001193465.2, NM_001193466.2, NM_001379198.1); c.1848G>T (NM_001193466.1); short protein forms K616N.
Identifiers: ClinVar variation 376773 (VCV000376773.3), dbSNP rs1057520050, ClinGen allele CA16603162.
Genomic context (GRCh38, chr17:46,066,537, plus strand): 5'-TAACTCTATCTGAGCATCTGGCTCACTGCTTGACAATGACCAACTCTCATCTGTACCGAC[C>A]TTCTTGGAAAGAGGAACGATGCTGTTGGGTCGAACAAGCCTCCGCTTCTTACAGCTCAGT-3'
Protein context (NP_056258.1, residues 606-626): RPNSIVPLSK[Lys616Asn]VHRNSTIRPG